The following is an entry in ClinVar:

ClinVar aggregate classification (germline): Likely benign (1 of 4 stars; one submission).

Conditions:
LSR-related condition.

Submission:

PreventionGenetics, part of Exact Sciences
Classification: Likely benign for LSR-related condition. Last evaluated: 2026-06-28. Review status: criteria provided, single submitter. Criteria: ACMG Guidelines, 2015. Collection method: clinical testing. Allele origin: germline.
Comment: This variant is classified as likely benign based on ACMG/AMP sequence variant interpretation guidelines (Richards et al. 2015 PMID: 25741868, with internal and published modifications).

NM_205834.4(LSR):c.921A>C (p.Gly307=)

Gene: LSR (lipolysis stimulated lipoprotein receptor; plus strand). Cytogenetic location: 19q13.12.
Variant type: single nucleotide variant.
Coding change: c.921A>C on transcript NM_205834.4 (MANE Select); coding-DNA position 921, A replaced by C.
Protein change: p.Gly307=; no amino-acid change (glycine 307 retained).
Molecular consequence: synonymous variant.
Genome position (GRCh38, 1-based): chr19:35,266,501, A>C. VCF-style: chr19-35266501-A-C. GRCh37 (hg19) VCF-style: chr19-35757404-A-C.
Other names: c.864A>C, p.Gly288= (NM_001260489.2, NM_015925.7); c.597A>C, p.Gly199= (NM_001260490.2); c.717A>C, p.Gly239= (NM_001385215.1, NM_205835.4).
Identifiers: ClinVar variation 4995597 (VCV004995597.1).